The following is an entry in ClinVar:

NM_006514.4(SCN10A):c.1966A>T (p.Thr656Ser)

Gene: SCN10A (sodium voltage-gated channel alpha subunit 10; minus strand). Cytogenetic location: 3p22.2.
Variant type: single nucleotide variant.
Coding change: c.1966A>T on transcript NM_006514.4 (MANE Select); coding-DNA position 1966, A replaced by T.
Protein change: p.Thr656Ser; replaces threonine 656 with serine.
Molecular consequence: missense variant.
Genome position (GRCh38, 1-based): chr3:38,742,431, T>A on the plus strand (A>T on the coding strand, the complement: SCN10A is on the minus strand). VCF-style: chr3-38742431-T-A. GRCh37 (hg19) VCF-style: chr3-38783922-T-A.
Other names: c.1966A>T, p.Thr656Ser (NM_001293306.2); c.1672A>T, p.Thr558Ser (NM_001293307.2); short protein forms T558S, T656S.
Identifiers: ClinVar variation 3950863 (VCV003950863.1).

ClinVar aggregate classification (germline): Uncertain significance (1 of 4 stars; one submission).

Conditions:
Cardiovascular phenotype. Identifiers: MedGen CN230736.

Submission:

Ambry Genetics
Classification: Uncertain significance for Cardiovascular phenotype. Last evaluated: 2025-04-20. Review status: criteria provided, single submitter. Criteria: Ambry Variant Classification Scheme 2023. Collection method: clinical testing. Allele origin: germline.
Comment: The p.T656S variant (also known as c.1966A>T), located in coding exon 13 of the SCN10A gene, results from an A to T substitution at nucleotide position 1966. The threonine at codon 656 is replaced by serine, an amino acid with similar properties. This amino acid position is conserved. In addition, this alteration is predicted to be tolerated by in silico analysis. Based on the available evidence, the clinical significance of this variant remains unclear.